The following is an entry in ClinVar:

ClinVar aggregate classification (germline): Benign/Likely benign. Review status: criteria provided, multiple submitters, no conflicts (2 of 4 stars). 12 submissions from 11 submitters: Benign (4); Likely benign (5). 3 of the submissions do not count toward it. Last evaluated 2026-02-01.

Conditions:
Cardiovascular phenotype. Identifiers: MedGen CN230736.
Long QT syndrome (LQTS). Identifiers: MedGen C0023976, MeSH D008133, MONDO:0002442. Disease mechanism: loss of function. Inheritance: Various modes of inheritance.
Jervell and Lange-Nielsen syndrome 2 (JLNS2). Identifiers: Orphanet 768, Orphanet 90647, MedGen C2676723, MONDO:0012871, OMIM 612347.
Long QT syndrome 5 (LQT5). Identifiers: Orphanet 101016, Orphanet 768, MedGen C1867904, MONDO:0013372, OMIM 613695.

Allele frequency attached by ClinVar (database versions not stated): ESP Exome Variant Server 0.00008; gnomAD exomes 0.00010 and 0.00047; gnomAD 0.00011 and 0.00012; ExAC 0.00045; 1000 Genomes Project 30x 0.00187; 1000 Genomes Project 0.00300.
gnomAD v4.1: 136 of 1,204,316 alleles (0.011%); highest among the groups gnomAD compares: East Asian, 0.15%; 4 homozygotes.

Submissions (13):

Labcorp Genetics (formerly Invitae), Labcorp
Classification: Benign for Long QT syndrome. Last evaluated: 2026-02-01. Review status: criteria provided, single submitter. Criteria: Invitae Variant Classification Sherloc (09022015). Collection method: clinical testing. Allele origin: germline.

Molecular Diagnostic Laboratory for Inherited Cardiovascular Disease, Montreal Heart Institute
Classification: Benign. Last evaluated: 2025-04-09. Review status: criteria provided, single submitter. Criteria: ACMG Guidelines, 2015. Collection method: clinical testing. Allele origin: germline. Affected: no.

Blueprint Genetics
Classification: Likely benign. Last evaluated: 2024-09-26. Review status: criteria provided, single submitter. Criteria: ACMG Guidelines, 2015. Collection method: clinical testing. Allele origin: germline.

ARUP Laboratories, Molecular Genetics and Genomics, ARUP Laboratories
Classification: Likely benign. Last evaluated: 2023-08-31. Review status: criteria provided, single submitter. Criteria: ARUP Molecular Germline Variant Investigation Process 2024. Collection method: clinical testing. Allele origin: germline.

Illumina Laboratory Services, Illumina
Classification: Likely benign for Long QT syndrome 5. Last evaluated: 2018-01-13. Review status: criteria provided, single submitter. Criteria: ICSL Variant Classification Criteria 13 December 2019. Collection method: clinical testing. Allele origin: germline.
Comment: This variant was observed in the ICSL laboratory as part of a predisposition screen in an ostensibly healthy population. It had not been previously curated by ICSL or reported in the Human Gene Mutation Database (HGMD: prior to June 1st, 2018), and was therefore a candidate for classification through an automated scoring system. Utilizing variant allele frequency, disease prevalence and penetrance estimates, and inheritance mode, an automated score was calculated to assess if this variant is too frequent to cause the disease. Based on the score and internal cut-off values, a variant classified as likely benign is not then subjected to further curation. The score for this variant resulted in a classification of likely benign for this disease.

Illumina Laboratory Services, Illumina
Classification: Likely benign for Jervell and Lange-Nielsen syndrome 2. Last evaluated: 2018-01-13. Review status: criteria provided, single submitter. Criteria: ICSL Variant Classification Criteria 13 December 2019. Collection method: clinical testing. Allele origin: germline.
Comment: the same text as in the submission from Illumina Laboratory Services, Illumina above.

Ambry Genetics
Classification: Likely benign for Cardiovascular phenotype. Last evaluated: 2017-01-31. Review status: criteria provided, single submitter. Criteria: Ambry Variant Classification Scheme 2023. Collection method: clinical testing. Allele origin: germline.

Laboratory for Molecular Medicine, Mass General Brigham Personalized Medicine
Classification: Benign. Last evaluated: 2015-04-17. Review status: criteria provided, single submitter. Criteria: LMM Criteria. Collection method: clinical testing. Allele origin: germline. Observed: 3 variant alleles.
Comment: Phe54Phe in Exon 03 of KCNE1: This variant is not expected to have clinical sign ificance because it does not alter an amino acid residue, is not located within the splice consensus sequence, and has been identified in 0.5% (42/8646) of East Asian chromosomes including 1 homozygote by the Exome Aggregation Consortium (E xAC; dbSNP rs17173508).

GeneDx
Classification: Benign. Last evaluated: 2015-03-03. Review status: criteria provided, single submitter. Criteria: GeneDx Variant Classification Process June 2021. Collection method: clinical testing. Allele origin: germline. Affected: yes.

Clinical Genetics, Academic Medical Center
Classification: Benign. Review status: no assertion criteria provided. Collection method: clinical testing. Allele origin: germline. Affected: yes. Study: VKGL Data-share Consensus. Not counted in ClinVar's aggregate classification.

Genome Diagnostics Laboratory, University Medical Center Utrecht
Classification: Likely benign. Review status: no assertion criteria provided. Collection method: clinical testing. Allele origin: germline. Affected: yes. Study: VKGL Data-share Consensus. Not counted in ClinVar's aggregate classification.

Joint Genome Diagnostic Labs from Nijmegen and Maastricht, Radboudumc and MUMC+
Classification: Likely benign. Review status: no assertion criteria provided. Collection method: clinical testing. Allele origin: germline. Affected: yes. Study: VKGL Data-share Consensus. Not counted in ClinVar's aggregate classification.

Roden Lab, Vanderbilt University Medical Center
No classification provided (evidence only). Condition: Long QT syndrome 5. Review status: no classification provided. Collection method: in vitro. Allele origin: not applicable. Functional consequence: Effect on ion channel function. Not counted in ClinVar's aggregate classification.
ClinVar note: "not provided" was previously submitted as the classification for the variant. However, the classification appeared to be based only on an observation of functional data so it was converted to no classification on 2025-07-30.

NM_000219.6(KCNE1):c.162C>T (p.Phe54=)

Gene: KCNE1 (potassium voltage-gated channel subfamily E regulatory subunit 1; minus strand). Cytogenetic location: 21q22.12.
Variant type: single nucleotide variant.
Coding change: c.162C>T on transcript NM_000219.6 (MANE Select); coding-DNA position 162, C replaced by T.
Protein change: p.Phe54=; no amino-acid change (phenylalanine 54 retained).
Molecular consequence: synonymous variant.
Genome position (GRCh38, 1-based): chr21:34,449,473, G>A on the plus strand (C>T on the coding strand, the complement: KCNE1 is on the minus strand). VCF-style: chr21-34449473-G-A. GRCh37 (hg19) VCF-style: chr21-35821771-G-A.
Other names: c.162C>T, p.Phe54= (NM_001127668.4, NM_001127669.4, NM_001127670.4 and 4 more transcripts).
Identifiers: ClinVar variation 226685 (VCV000226685.31), dbSNP rs17173508, ClinGen allele CA10577129.
Genomic context (GRCh38, chr21:34,449,473, plus strand): 5'-CGAGTGCTCCAGCTTCTTGGAGCGGATGTAGCTCAGCATGATGCCCAGGGTGAAGAAGCC[G>A]AAGAATCCCAGTACCATGAGGACGTAGAGGGCCTCCAGCTTGCCGTCACTGCTGCGGGGG-3'
Protein context (NP_000210.2, residues 44-64): ALYVLMVLGF[Phe54=]GFFTLGIMLS